The following is an entry in ClinVar:

ClinVar aggregate classification (germline): Uncertain significance (1 of 4 stars; one submission).

Conditions:
Townes syndrome (TBS). Also called: Townes-Brocks syndrome. Identifiers: Orphanet 857, MedGen C0265246, MeSH C536974, MONDO:0007142.

Allele frequency attached by ClinVar (database versions not stated): ExAC 0.00001; TOPMed 0.00002; gnomAD 0.00005.
gnomAD v4.1: 39 of 1,614,008 alleles (0.0024%); highest among the groups gnomAD compares: African/African-American, 0.004%; no homozygotes.

Submission:

Labcorp Genetics (formerly Invitae), Labcorp
Classification: Uncertain significance for Townes syndrome. Last evaluated: 2022-06-04. Review status: criteria provided, single submitter. Criteria: Invitae Variant Classification Sherloc (09022015). Collection method: clinical testing. Allele origin: germline.
Comment: In summary, the available evidence is currently insufficient to determine the role of this variant in disease. Therefore, it has been classified as a Variant of Uncertain Significance. Algorithms developed to predict the effect of missense changes on protein structure and function are either unavailable or do not agree on the potential impact of this missense change (SIFT: "Deleterious"; PolyPhen-2: "Benign"; Align-GVGD: "Class C0"). This variant has not been reported in the literature in individuals affected with SALL1-related conditions. This sequence change replaces arginine, which is basic and polar, with cysteine, which is neutral and slightly polar, at codon 1313 of the SALL1 protein (p.Arg1313Cys). This variant is present in population databases (rs199883962, gnomAD 0.007%).

NM_002968.3(SALL1):c.3937C>T (p.Arg1313Cys)

Gene: SALL1 (spalt like transcription factor 1; minus strand). Cytogenetic location: 16q12.1.
Variant type: single nucleotide variant.
Coding change: c.3937C>T on transcript NM_002968.3 (MANE Select); coding-DNA position 3937, C replaced by T.
Protein change: p.Arg1313Cys; replaces arginine 1313 with cysteine.
Molecular consequence: missense variant.
Genome position (GRCh38, 1-based): chr16:51,137,150, G>A on the plus strand (C>T on the coding strand, the complement: SALL1 is on the minus strand). VCF-style: chr16-51137150-G-A. GRCh37 (hg19) VCF-style: chr16-51171061-G-A.
Other names: c.3646C>T, p.Arg1216Cys (NM_001127892.2); short protein forms R1313C, R1216C.
Identifiers: ClinVar variation 2059678 (VCV002059678.4), dbSNP rs199883962, ClinGen allele CA8052804.